The following is an entry in ClinVar:

ClinVar aggregate classification (germline): Likely benign. Review status: criteria provided, multiple submitters, no conflicts (2 of 4 stars). 2 submissions from 2 submitters: Likely benign (2). Last evaluated 2025-12-17.

Conditions:
Inborn genetic diseases. Identifiers: MedGen C0950123, MeSH D030342.

Allele frequency attached by ClinVar (database versions not stated): gnomAD exomes below 0.00001; TOPMed below 0.00001; ExAC 0.00001; gnomAD 0.00001.
gnomAD v4.1: 3 of 1,614,062 alleles (0.00019%); highest among the groups gnomAD compares: Non-Finnish European, 0.000085%; no homozygotes.

Submissions (2):

Ambry Genetics
Classification: Likely benign for Inborn genetic diseases. Last evaluated: 2025-12-17. Review status: criteria provided, single submitter. Criteria: Ambry Variant Classification Scheme 2023. Collection method: clinical testing. Allele origin: germline.

CeGaT Center for Human Genetics Tuebingen
Classification: Likely benign. Last evaluated: 2023-11-01. Review status: criteria provided, single submitter. Criteria: CeGaT Center For Human Genetics Tuebingen Variant Classification Criteria Version 2. Collection method: clinical testing. Allele origin: germline. Affected: yes. Observed: 1 variant allele.
Comment: ASXL1: BP4, BP7

NM_015338.6(ASXL1):c.3405A>G (p.Gln1135=)

Gene: ASXL1 (ASXL transcriptional regulator 1; plus strand). Cytogenetic location: 20q11.21.
Variant type: single nucleotide variant.
Coding change: c.3405A>G on transcript NM_015338.6 (MANE Select); coding-DNA position 3405, A replaced by G.
Protein change: p.Gln1135=; no amino-acid change (glutamine 1135 retained).
Molecular consequence: synonymous variant.
Genome position (GRCh38, 1-based): chr20:32,436,117, A>G. VCF-style: chr20-32436117-A-G. GRCh37 (hg19) VCF-style: chr20-31023920-A-G.
Other names: c.3222A>G, p.Gln1074= (NM_001363734.1).
Identifiers: ClinVar variation 2672879 (VCV002672879.23), dbSNP rs761096720, ClinGen allele CA9808813.